The following is an entry in ClinVar:

ClinVar aggregate classification (germline): Conflicting classifications of pathogenicity. Review status: criteria provided, conflicting classifications (1 of 4 stars). 2 submissions from 2 submitters: Uncertain significance (1); Likely benign (1). Last evaluated 2026-03-01.

Conditions:
LAMA2-related muscular dystrophy (LAMA2-RD). Also called: Laminin alpha 2-related dystrophy. Identifiers: MedGen C5679788, MONDO:0100228.

Allele frequency attached by ClinVar (database versions not stated): gnomAD exomes below 0.00001 and 0.00003; ExAC 0.00001; gnomAD 0.00001; TOPMed 0.00001.
gnomAD v4.1: 44 of 1,613,790 alleles (0.0027%); highest among the groups gnomAD compares: Non-Finnish European, 0.0036%; no homozygotes.

Submissions (2):

CeGaT Center for Human Genetics Tuebingen
Classification: Uncertain significance. Last evaluated: 2026-03-01. Review status: criteria provided, single submitter. Criteria: CeGaT Center For Human Genetics Tuebingen Variant Classification Criteria Version 2. Collection method: clinical testing. Allele origin: germline. Affected: yes. Observed: 1 variant allele.
Comment: LAMA2: PM2, BP4

Labcorp Genetics (formerly Invitae), Labcorp
Classification: Likely benign for LAMA2-related muscular dystrophy. Last evaluated: 2023-06-28. Review status: criteria provided, single submitter. Criteria: Invitae Variant Classification Sherloc (09022015). Collection method: clinical testing. Allele origin: germline.

NM_000426.4(LAMA2):c.3555+7A>G

Gene: LAMA2 (laminin subunit alpha 2; plus strand). Cytogenetic location: 6q22.33.
Variant type: single nucleotide variant.
Coding change: c.3555+7A>G on transcript NM_000426.4 (MANE Select); 7 bases into the intron after coding-DNA position 3555, A replaced by G.
Molecular consequence: intron variant.
Genome position (GRCh38, 1-based): chr6:129,314,805, A>G. VCF-style: chr6-129314805-A-G. GRCh37 (hg19) VCF-style: chr6-129635950-A-G.
Other names: c.3555+7A>G (NM_001079823.2).
Identifiers: ClinVar variation 1146525 (VCV001146525.11), dbSNP rs759066718, ClinGen allele CA3993282.